The following is an entry in ClinVar:

ClinVar aggregate classification (germline): Uncertain significance (1 of 4 stars; one submission).

Conditions:
Cardiovascular phenotype. Identifiers: MedGen CN230736.

gnomAD v4.1: 3 of 1,612,470 alleles (0.00019%); highest among the groups gnomAD compares: Non-Finnish European, 0.00025%; no homozygotes.

Submission:

Ambry Genetics
Classification: Uncertain significance for Cardiovascular phenotype. Last evaluated: 2023-05-11. Review status: criteria provided, single submitter. Criteria: Ambry Variant Classification Scheme 2023. Collection method: clinical testing. Allele origin: germline.
Comment: The p.P1451R variant (also known as c.4352C>G), located in coding exon 10 of the TNXB gene, results from a C to G substitution at nucleotide position 4352. The proline at codon 1451 is replaced by arginine, an amino acid with dissimilar properties. This amino acid position is conserved. In addition, this alteration is predicted to be tolerated by in silico analysis. Since supporting evidence is limited at this time, the clinical significance of this alteration remains unclear.

NM_001365276.2(TNXB):c.4352C>G (p.Pro1451Arg)

Gene: TNXB (tenascin XB; minus strand). Cytogenetic location: 6p21.33.
Variant type: single nucleotide variant.
Coding change: c.4352C>G on transcript NM_001365276.2 (MANE Select); coding-DNA position 4352, C replaced by G.
Protein change: p.Pro1451Arg; replaces proline 1451 with arginine.
Molecular consequence: missense variant.
Genome position (GRCh38, 1-based): chr6:32,079,056, G>C on the plus strand (C>G on the coding strand, the complement: TNXB is on the minus strand). VCF-style: chr6-32079056-G-C. GRCh37 (hg19) VCF-style: chr6-32046833-G-C.
Other names: c.4352C>G, p.Pro1451Arg (NM_019105.8); short protein forms P1451R.
Identifiers: ClinVar variation 2565735 (VCV002565735.2), dbSNP rs771493330, ClinGen allele CA3734973.